The following is an entry in ClinVar:

ClinVar aggregate classification (germline): Conflicting classifications of pathogenicity. Review status: criteria provided, conflicting classifications (1 of 4 stars). 4 submissions from 4 submitters: Uncertain significance (3); Likely benign (1). Last evaluated 2023-07-19.

Conditions:
Hereditary cancer-predisposing syndrome. Also called: Hereditary neoplastic syndrome; Tumor predisposition; Hereditary Cancer Syndrome; Neoplastic Syndromes, Hereditary. Identifiers: Orphanet 140162, MedGen C0027672, MeSH D009386, MONDO:0015356.
Hereditary breast ovarian cancer syndrome. Also called: Hereditary breast and/or ovarian cancer syndrome; BRCA1- and BRCA2-Associated Hereditary Breast and Ovarian Cancer; Breast and ovarian cancer; Hereditary breast and ovarian cancer; Hereditary breast and ovarian cancer syndrome; Hereditary breast and ovarian cancer syndrome (HBOC). Identifiers: Orphanet 145, MedGen C0677776, MeSH D061325, MONDO:0003582. Disease mechanism: loss of function.

Submissions (4):

Labcorp Genetics (formerly Invitae), Labcorp
Classification: Uncertain significance for Hereditary breast ovarian cancer syndrome. Last evaluated: 2023-07-19. Review status: criteria provided, single submitter. Criteria: Invitae Variant Classification Sherloc (09022015). Collection method: clinical testing. Allele origin: germline.
Comment: This sequence change replaces threonine, which is neutral and polar, with alanine, which is neutral and non-polar, at codon 912 of the BRCA2 protein (p.Thr912Ala). This variant is not present in population databases (gnomAD no frequency). This variant has not been reported in the literature in individuals affected with BRCA2-related conditions. ClinVar contains an entry for this variant (Variation ID: 495442). Advanced modeling of protein sequence and biophysical properties (such as structural, functional, and spatial information, amino acid conservation, physicochemical variation, residue mobility, and thermodynamic stability) performed at Invitae indicates that this missense variant is not expected to disrupt BRCA2 protein function. In summary, the available evidence is currently insufficient to determine the role of this variant in disease. Therefore, it has been classified as a Variant of Uncertain Significance.

University of Washington Department of Laboratory Medicine, University of Washington
Classification: Likely benign for Hereditary cancer-predisposing syndrome. Last evaluated: 2023-03-23. Review status: criteria provided, single submitter. Criteria: Dines et al. (Genet Med. 2020). Collection method: curation. Allele origin: germline.
Comment: Missense variant in a coldspot region where missense variants are very unlikely to be pathogenic (PMID:31911673).

BRCA2 exon 11 coldspot. Reclassification based on statistical prior probability.

GeneDx
Classification: Uncertain significance. Last evaluated: 2020-12-02. Review status: criteria provided, single submitter. Criteria: GeneDx Variant Classification Process June 2021. Collection method: clinical testing. Allele origin: germline. Affected: yes.
Comment: Not observed in large population cohorts (Lek 2016); In silico analysis supports that this missense variant does not alter protein structure/function; Has not been previously published as pathogenic or benign to our knowledge; Also known as 2962A>G

Women's Health and Genetics/Laboratory Corporation of America, LabCorp
Classification: Uncertain significance. Last evaluated: 2017-01-13. Review status: criteria provided, single submitter. Criteria: LabCorp Variant Classification Summary - May 2015. Collection method: clinical testing. Allele origin: germline.
Comment: Variant summary: The BRCA2 c.2734A>G (p.Thr912Ala) variant involves the alteration of a non-conserved nucleotide. 3/4 in silico tools predict a benign outcome for this variant (SNPs&GO not captured due to low reliability index). This variant is absent in 120798 control chromosomes. The variant of interest has not, to our knowledge, been reported in affected individuals via publications and/or reputable databases/clinical diagnostic laboratories; nor evaluated for functional impact by in vivo/vitro studies. Because of the absence of clinical information and the lack of functional studies, the variant is classified as a variant of uncertain significance (VUS) until additional information becomes available.

NM_000059.4(BRCA2):c.2734A>G (p.Thr912Ala)

Gene: BRCA2 (BRCA2 DNA repair associated; plus strand). Cytogenetic location: 13q13.1.
Variant type: single nucleotide variant.
Coding change: c.2734A>G on transcript NM_000059.4 (MANE Select); coding-DNA position 2734, A replaced by G.
Protein change: p.Thr912Ala; replaces threonine 912 with alanine.
Molecular consequence: missense variant.
Genome position (GRCh38, 1-based): chr13:32,337,089, A>G. VCF-style: chr13-32337089-A-G. GRCh37 (hg19) VCF-style: chr13-32911226-A-G.
Other names: short protein forms T912A.
Identifiers: ClinVar variation 495442 (VCV000495442.8), dbSNP rs1555282813, ClinGen allele CA387773607.
Genomic context (GRCh38, chr13:32,337,089, plus strand): 5'-TTCCAAGTAGCTAATGAAAGGAATAATCTTGCTTTAGGAAATACTAAGGAACTTCATGAA[A>G]CAGACTTGACTTGTGTAAACGAACCCATTTTCAAGAACTCTACCATGGTTTTATATGGAG-3'
Protein context (NP_000050.3, residues 902-922): ALGNTKELHE[Thr912Ala]DLTCVNEPIF